The following is an entry in ClinVar:

ClinVar aggregate classification (germline): Uncertain significance (1 of 4 stars; one submission).

Conditions:
BDNF-related disorder. Also called: BDNF-related condition.

Submission:

PreventionGenetics, part of Exact Sciences
Classification: Uncertain significance for BDNF-related condition. Last evaluated: 2025-05-29. Review status: criteria provided, single submitter. Criteria: ACMG Guidelines, 2015. Collection method: clinical testing. Allele origin: germline.
Comment: The BDNF c.532C>T variant is predicted to result in the amino acid substitution p.Leu178Phe. To our knowledge, this variant has not been reported in the literature or in a large population database (gnomAD), indicating this variant is rare. At this time, the clinical significance of this variant is uncertain due to the absence of conclusive functional and genetic evidence.

NM_001709.5(BDNF):c.286C>T (p.Leu96Phe)

Genes: BDNF (brain derived neurotrophic factor; minus strand), BDNF-AS (BDNF antisense RNA; plus strand). Cytogenetic location: 11p14.1.
Variant type: single nucleotide variant.
Coding change: c.286C>T on transcript NM_001709.5 (MANE Select); coding-DNA position 286, C replaced by T.
Protein change: p.Leu96Phe; replaces leucine 96 with phenylalanine.
Molecular consequence: missense variant. On other transcripts: non-coding transcript variant (5).
Genome position (GRCh38, 1-based): chr11:27,658,279, G>A on the plus strand (C>T on the coding strand, the complement: BDNF is on the minus strand). VCF-style: chr11-27658279-G-A. GRCh37 (hg19) VCF-style: chr11-27679826-G-A.
Other names: c.286C>T, p.Leu96Phe (NM_001143805.1, NM_001143806.1, NM_001143807.2 and 9 more transcripts); c.373C>T, p.Leu125Phe (NM_001143809.2); c.532C>T, p.Leu178Phe (NM_001143810.2); c.310C>T, p.Leu104Phe (NM_170731.5); c.331C>T, p.Leu111Phe (NM_170734.4); short protein forms L125F, L104F, L111F, L178F, L96F.
Identifiers: ClinVar variation 4998942 (VCV004998942.1).